The following is an entry in ClinVar:

ClinVar aggregate classification (germline): Pathogenic (1 of 4 stars; one submission).

Submission:

Labcorp Genetics (formerly Invitae), Labcorp
Classification: Pathogenic. Last evaluated: 2021-12-13. Review status: criteria provided, single submitter. Criteria: Invitae Variant Classification Sherloc (09022015). Collection method: clinical testing. Allele origin: germline.
Comment: For these reasons, this variant has been classified as Pathogenic. Algorithms developed to predict the effect of sequence changes on RNA splicing suggest that this variant may create or strengthen a splice site. This variant has not been reported in the literature in individuals affected with USH2A-related conditions. This variant is not present in population databases (gnomAD no frequency). This sequence change creates a premature translational stop signal (p.Asn472Argfs*93) in the USH2A gene. It is expected to result in an absent or disrupted protein product. Loss-of-function variants in USH2A are known to be pathogenic (PMID: 10729113, 10909849, 20507924, 25649381).

Literature cited by the submitters: PubMed 10729113; PubMed 10909849; PubMed 20507924; PubMed 25649381.

NM_206933.4(USH2A):c.1415_1494delinsG (p.Asn472fs)

Gene: USH2A (usherin; minus strand). Cytogenetic location: 1q41.
Variant type: Indel.
Coding change: c.1415_1494delinsG on transcript NM_206933.4 (MANE Select); coding-DNA positions 1415 to 1494, the reference bases replaced by G.
Protein change: p.Asn472fs; shifts the reading frame from asparagine 472.
Molecular consequence: frameshift variant.
Genome position (GRCh38, 1-based): chr1:216,323,530-216,323,609, 80 bases replaced. GRCh37 (hg19): chr1:216,496,872-216,496,951.
Other names: c.1415_1494delinsG, p.Asn472fs (NM_007123.6); short protein forms N472fs.
Identifiers: ClinVar variation 2042291 (VCV002042291.4), dbSNP rs2527433682, ClinGen allele CA2580062215.